The following is an entry in ClinVar:

NM_000441.2(SLC26A4):c.917_918dup (p.Thr307Ter)

Gene: SLC26A4 (solute carrier family 26 member 4; plus strand). Cytogenetic location: 7q22.3.
Variant type: Microsatellite.
Coding change: c.917_918dup on transcript NM_000441.2 (MANE Select); coding-DNA positions 917 to 918, 2 bases duplicated (TG; older notation c.917_918dupTG).
Protein change: p.Thr307Ter; replaces threonine 307 with a stop codon.
Molecular consequence: nonsense.
Genome position (GRCh38, 1-based): chr7:107,683,353-107,683,354, TG duplicated; duplicating any 2 consecutive bases within chr7:107,683,351-107,683,354 gives the same sequence; the c. name uses the placement nearest the transcript's 3' end. VCF-style (leftmost placement, unchanged base first): chr7-107683350-T-TTG. GRCh37 (hg19) VCF-style: chr7-107323795-T-TTG.
Other names: short protein forms T307*.
Identifiers: ClinVar variation 3601789 (VCV003601789.1).
Genomic context (GRCh38, chr7:107,683,350, plus strand): 5'-TTAAGGAATTAAATGATCGGTTTAGACACAAAATCCCAGTCCCTATTCCTATAGAAGTAA[T>TTG]TGTGGTAAGTAGAATATGTAGTTAGAAAGTTCAGCATTATTTGGTTGACAAACAAGGAAT-3'

ClinVar aggregate classification (germline): Pathogenic (1 of 4 stars; one submission).

Conditions:
Autosomal recessive nonsyndromic hearing loss 4 (DFNB4). Also called: Deafness, autosomal recessive 4; FOXI1-Related Pendred Syndrome; KCNJ10-Related Pendred Syndrome; DEAFNESS, AUTOSOMAL RECESSIVE 4, WITH ENLARGED VESTIBULAR AQUEDUCT, DIGENIC; NEUROSENSORY NONSYNDROMIC RECESSIVE DEAFNESS 4; Nonsyndromic enlarged vestibular aqueduct (NSEVA). Identifiers: Orphanet 90636, MedGen C3538946, MONDO:0010933, OMIM 600791.

Submission:

Institute of Rare Diseases, West China Hospital, Sichuan University
Classification: Pathogenic for Autosomal recessive nonsyndromic hearing loss 4. Last evaluated: 2025-01-09. Review status: criteria provided, single submitter. Criteria: ClinGen HL ACMG Specifications v1. Collection method: research. Allele origin: germline. Affected: yes.
Comment: PVS1;PM3;PP4;PM2_Supporting